The following is an entry in ClinVar:

NM_003482.4(KMT2D):c.11861A>C (p.Gln3954Pro)

Gene: KMT2D (lysine methyltransferase 2D; minus strand). Cytogenetic location: 12q13.12.
Variant type: single nucleotide variant.
Coding change: c.11861A>C on transcript NM_003482.4 (MANE Select); coding-DNA position 11861, A replaced by C.
Protein change: p.Gln3954Pro; replaces glutamine 3954 with proline.
Molecular consequence: missense variant.
Genome position (GRCh38, 1-based): chr12:49,032,844, T>G on the plus strand (A>C on the coding strand, the complement: KMT2D is on the minus strand). VCF-style: chr12-49032844-T-G. GRCh37 (hg19) VCF-style: chr12-49426627-T-G.
Other names: short protein forms Q3954P.
Identifiers: ClinVar variation 2201815 (VCV002201815.4), dbSNP rs1270370074, ClinGen allele CA384714636.

ClinVar aggregate classification (germline): Uncertain significance (1 of 4 stars; one submission).

Conditions:
Kabuki syndrome. Also called: Kabuki make-up syndrome; NIIKAWA-KUROKI SYNDROME. Identifiers: Orphanet 2322, MedGen C0796004, MONDO:0016512.

Allele frequency attached by ClinVar (database versions not stated): TOPMed below 0.00001; gnomAD 0.00001; gnomAD exomes 0.00001.

Submission:

Labcorp Genetics (formerly Invitae), Labcorp
Classification: Uncertain significance for Kabuki syndrome. Last evaluated: 2022-02-11. Review status: criteria provided, single submitter. Criteria: Invitae Variant Classification Sherloc (09022015). Collection method: clinical testing. Allele origin: germline.
Comment: In summary, the available evidence is currently insufficient to determine the role of this variant in disease. Therefore, it has been classified as a Variant of Uncertain Significance. This sequence change replaces glutamine, which is neutral and polar, with proline, which is neutral and non-polar, at codon 3954 of the KMT2D protein (p.Gln3954Pro). The frequency data for this variant in the population databases is considered unreliable, as metrics indicate poor data quality at this position in the gnomAD database. This variant has not been reported in the literature in individuals affected with KMT2D-related conditions. Advanced modeling of protein sequence and biophysical properties (such as structural, functional, and spatial information, amino acid conservation, physicochemical variation, residue mobility, and thermodynamic stability) performed at Invitae indicates that this missense variant is not expected to disrupt KMT2D protein function.